The following is an entry in ClinVar:

NM_001197104.2(KMT2A):c.7149C>G (p.Asp2383Glu)

Gene: KMT2A (lysine methyltransferase 2A; plus strand). Cytogenetic location: 11q23.3.
Variant type: single nucleotide variant.
Coding change: c.7149C>G on transcript NM_001197104.2 (MANE Select); coding-DNA position 7149, C replaced by G.
Protein change: p.Asp2383Glu; replaces aspartic acid 2383 with glutamic acid.
Molecular consequence: missense variant.
Genome position (GRCh38, 1-based): chr11:118,503,041, C>G. VCF-style: chr11-118503041-C-G. GRCh37 (hg19) VCF-style: chr11-118373756-C-G.
Other names: c.7239C>G, p.Asp2413Glu (NM_001412597.1); c.7140C>G, p.Asp2380Glu (NM_005933.4); short protein forms D2380E, D2383E, D2413E.
Identifiers: ClinVar variation 1719653 (VCV001719653.5), dbSNP rs2134389214, ClinGen allele CA382804487.

ClinVar aggregate classification (germline): Uncertain significance (1 of 4 stars; one submission).

Allele frequency attached by ClinVar (database versions not stated): gnomAD exomes below 0.00001.
gnomAD v4.1: 2 of 1,613,298 alleles (0.00012%); highest among the groups gnomAD compares: Non-Finnish European, 0.00017%; no homozygotes.

Submission:

Labcorp Genetics (formerly Invitae), Labcorp
Classification: Uncertain significance. Last evaluated: 2022-10-28. Review status: criteria provided, single submitter. Criteria: Invitae Variant Classification Sherloc (09022015). Collection method: clinical testing. Allele origin: germline.
Comment: In summary, the available evidence is currently insufficient to determine the role of this variant in disease. Therefore, it has been classified as a Variant of Uncertain Significance. Advanced modeling of protein sequence and biophysical properties (such as structural, functional, and spatial information, amino acid conservation, physicochemical variation, residue mobility, and thermodynamic stability) performed at Invitae indicates that this missense variant is not expected to disrupt KMT2A protein function. This variant has not been reported in the literature in individuals affected with KMT2A-related conditions. This variant is not present in population databases (gnomAD no frequency). This sequence change replaces aspartic acid, which is acidic and polar, with glutamic acid, which is acidic and polar, at codon 2383 of the KMT2A protein (p.Asp2383Glu).